The following is an entry in ClinVar:

NM_000444.6(PHEX):c.633T>A (p.Asp211Glu)

Gene: PHEX (phosphate regulating endopeptidase X-linked; plus strand). Cytogenetic location: Xp22.11.
Variant type: single nucleotide variant.
Coding change: c.633T>A on transcript NM_000444.6 (MANE Select); coding-DNA position 633, T replaced by A.
Protein change: p.Asp211Glu; replaces aspartic acid 211 with glutamic acid.
Molecular consequence: missense variant.
Genome position (GRCh38, 1-based): chrX:22,077,672, T>A. VCF-style: chrX-22077672-T-A. GRCh37 (hg19) VCF-style: chrX-22095790-T-A.
Other names: c.633T>A, p.Asp211Glu (NM_001282754.2); short protein forms D211E.
Identifiers: ClinVar variation 3778616 (VCV003778616.8).

ClinVar aggregate classification (germline): Uncertain significance. Review status: criteria provided, multiple submitters, no conflicts (2 of 4 stars). 2 submissions from 2 submitters: Uncertain significance (2). Last evaluated 2025-07-27.

gnomAD v4.1: 1 of 1,205,610 alleles (0.000083%); no homozygotes.

Submissions (2):

Labcorp Genetics (formerly Invitae), Labcorp
Classification: Uncertain significance. Last evaluated: 2025-07-27. Review status: criteria provided, single submitter. Criteria: Invitae Variant Classification Sherloc (09022015). Collection method: clinical testing. Allele origin: germline.
Comment: This sequence change replaces aspartic acid, which is acidic and polar, with glutamic acid, which is acidic and polar, at codon 211 of the PHEX protein (p.Asp211Glu). This variant is not present in population databases (gnomAD no frequency). This variant has not been reported in the literature in individuals affected with PHEX-related conditions. ClinVar contains an entry for this variant (Variation ID: 3778616). Invitae Evidence Modeling of protein sequence and biophysical properties (such as structural, functional, and spatial information, amino acid conservation, physicochemical variation, residue mobility, and thermodynamic stability) indicates that this missense variant is expected to disrupt PHEX protein function with a positive predictive value of 80%. In summary, the available evidence is currently insufficient to determine the role of this variant in disease. Therefore, it has been classified as a Variant of Uncertain Significance.

CeGaT Center for Human Genetics Tuebingen
Classification: Uncertain significance. Last evaluated: 2025-04-01. Review status: criteria provided, single submitter. Criteria: CeGaT Center For Human Genetics Tuebingen Variant Classification Criteria Version 2. Collection method: clinical testing. Allele origin: germline. Affected: yes. Observed: 1 variant allele.
Comment: PHEX: PM2